The following is an entry in ClinVar:

NM_031935.3(HMCN1):c.4564C>T (p.Arg1522Cys)

Gene: HMCN1 (hemicentin 1; plus strand). Cytogenetic location: 1q31.1.
Variant type: single nucleotide variant.
Coding change: c.4564C>T on transcript NM_031935.3 (MANE Select); coding-DNA position 4564, C replaced by T.
Protein change: p.Arg1522Cys; replaces arginine 1522 with cysteine.
Molecular consequence: missense variant.
Genome position (GRCh38, 1-based): chr1:186,007,216, C>T. VCF-style: chr1-186007216-C-T. GRCh37 (hg19) VCF-style: chr1-185976348-C-T.
Other names: short protein forms R1522C.
Identifiers: ClinVar variation 1428523 (VCV001428523.6), dbSNP rs143641249, ClinGen allele CA1292053.

ClinVar aggregate classification (germline): Uncertain significance (1 of 4 stars; one submission).

Allele frequency attached by ClinVar (database versions not stated): TOPMed 0.00028; ESP Exome Variant Server 0.00023; gnomAD 0.00025; gnomAD exomes 0.00025; ExAC 0.00026.

Submission:

Labcorp Genetics (formerly Invitae), Labcorp
Classification: Uncertain significance. Last evaluated: 2025-10-01. Review status: criteria provided, single submitter. Criteria: Invitae Variant Classification Sherloc (09022015). Collection method: clinical testing. Allele origin: germline.
Comment: This sequence change replaces arginine, which is basic and polar, with cysteine, which is neutral and slightly polar, at codon 1522 of the HMCN1 protein (p.Arg1522Cys). This variant is present in population databases (rs143641249, gnomAD 0.06%), and has an allele count higher than expected for a pathogenic variant. This variant has not been reported in the literature in individuals affected with HMCN1-related conditions. ClinVar contains an entry for this variant (Variation ID: 1428523). An algorithm developed to predict the effect of missense changes on protein structure and function (PolyPhen-2) suggests that this variant is likely to be disruptive. In summary, the available evidence is currently insufficient to determine the role of this variant in disease. Therefore, it has been classified as a Variant of Uncertain Significance.